The following is an entry in ClinVar:

NM_001128205.2(SULF1):c.862T>G (p.Ser288Ala)

Gene: SULF1 (sulfatase 1; plus strand). Cytogenetic location: 8q13.3.
Variant type: single nucleotide variant.
Coding change: c.862T>G on transcript NM_001128205.2 (MANE Select); coding-DNA position 862, T replaced by G.
Protein change: p.Ser288Ala; replaces serine 288 with alanine.
Molecular consequence: missense variant. On other transcripts: non-coding transcript variant (3).
Genome position (GRCh38, 1-based): chr8:69,600,730, T>G. VCF-style: chr8-69600730-T-G. GRCh37 (hg19) VCF-style: chr8-70512965-T-G.
Other names: c.862T>G, p.Ser288Ala (NM_001128204.2, NM_001128206.2, NM_001412828.1 and 19 more transcripts); c.676T>G, p.Ser226Ala (NM_001412841.1, NM_001412842.1); c.262T>G, p.Ser88Ala (NM_001412844.1, NM_001412845.1); c.-914T>G (NM_001412846.1); short protein forms S288A, S88A, S226A.
Identifiers: ClinVar variation 1930270 (VCV001930270.5), dbSNP rs2537194763, ClinGen allele CA371226130.
Genomic context (GRCh38, chr8:69,600,730, plus strand): 5'-CTGCCCATCCACATGGAATTTACAAACATTCTACAGCGCAAAAGGCTCCAGACTTTGATG[T>G]CAGTGGATGATTCTGTGGAGAGGGTAAGCACATGAACCTACCTCAGTGATAGTTTTTGGC-3'
Protein context (NP_001121677.1, residues 278-298): LQRKRLQTLM[Ser288Ala]VDDSVERLYN

ClinVar aggregate classification (germline): Uncertain significance (1 of 4 stars; one submission).

Allele frequency attached by ClinVar (database versions not stated): gnomAD exomes 0.00001.
gnomAD v4.1: 7 of 1,613,962 alleles (0.00043%); highest among the groups gnomAD compares: Non-Finnish European, 0.00059%; no homozygotes.

Submission:

Labcorp Genetics (formerly Invitae), Labcorp
Classification: Uncertain significance. Last evaluated: 2024-08-28. Review status: criteria provided, single submitter. Criteria: Invitae Variant Classification Sherloc (09022015). Collection method: clinical testing. Allele origin: germline.
Comment: This sequence change replaces serine, which is neutral and polar, with alanine, which is neutral and non-polar, at codon 288 of the SULF1 protein (p.Ser288Ala). This variant is not present in population databases (gnomAD no frequency). This variant has not been reported in the literature in individuals affected with SULF1-related conditions. ClinVar contains an entry for this variant (Variation ID: 1930270). An algorithm developed to predict the effect of missense changes on protein structure and function (PolyPhen-2) suggests that this variant is likely to be disruptive. In summary, the available evidence is currently insufficient to determine the role of this variant in disease. Therefore, it has been classified as a Variant of Uncertain Significance.